The following is an entry in ClinVar:

NM_024642.5(GALNT12):c.1553T>C (p.Met518Thr)

Gene: GALNT12 (polypeptide N-acetylgalactosaminyltransferase 12; plus strand). Cytogenetic location: 9q22.33.
Variant type: single nucleotide variant.
Coding change: c.1553T>C on transcript NM_024642.5 (MANE Select); coding-DNA position 1553, T replaced by C.
Protein change: p.Met518Thr; replaces methionine 518 with threonine.
Molecular consequence: missense variant.
Genome position (GRCh38, 1-based): chr9:98,846,071, T>C. VCF-style: chr9-98846071-T-C. GRCh37 (hg19) VCF-style: chr9-101608353-T-C.
Other names: c.1553T>C (NM_024642.4); short protein forms M518T.
Identifiers: ClinVar variation 2675807 (VCV002675807.2), dbSNP rs2490557795, ClinGen allele CA374221794.

ClinVar aggregate classification (germline): Uncertain significance. Review status: criteria provided, multiple submitters, no conflicts (2 of 4 stars). 2 submissions from 2 submitters: Uncertain significance (2). Last evaluated 2025-05-17.

Conditions:
Colorectal cancer, susceptibility to, 1. Also called: COLORECTAL ADENOMA AND CANCER, SUSCEPTIBILITY TO; COLORECTAL CANCER, SUSCEPTIBILITY TO, ON CHROMOSOME 9. Identifiers: MedGen C1837315, MONDO:0012132, OMIM 608812.

Allele frequency attached by ClinVar (database versions not stated): gnomAD exomes below 0.00001.
gnomAD v4.1: 3 of 1,614,220 alleles (0.00019%); highest among the groups gnomAD compares: African/African-American, 0.0027%; no homozygotes.

Submissions (2):

Ambry Genetics
Classification: Uncertain significance. Last evaluated: 2025-05-17. Review status: criteria provided, single submitter. Criteria: Ambry Variant Classification Scheme 2023. Collection method: clinical testing. Allele origin: germline.
Comment: The p.M518T variant (also known as c.1553T>C), located in coding exon 9 of the GALNT12 gene, results from a T to C substitution at nucleotide position 1553. The methionine at codon 518 is replaced by threonine, an amino acid with similar properties. This amino acid position is conserved. In addition, the in silico prediction for this alteration is inconclusive. Based on the available evidence, the clinical significance of this variant remains unclear.

Baylor Genetics
Classification: Uncertain significance for Colorectal cancer, susceptibility to, 1. Last evaluated: 2023-08-31. Review status: criteria provided, single submitter. Criteria: ACMG Guidelines, 2015. Collection method: clinical testing. Allele origin: unknown.